The following is an entry in ClinVar:

NM_138773.4(SLC25A46):c.1042A>T (p.Thr348Ser)

Gene: SLC25A46 (solute carrier family 25 member 46; plus strand). Cytogenetic location: 5q22.1.
Variant type: single nucleotide variant.
Coding change: c.1042A>T on transcript NM_138773.4 (MANE Select); coding-DNA position 1042, A replaced by T.
Protein change: p.Thr348Ser; replaces threonine 348 with serine.
Molecular consequence: missense variant. On other transcripts: non-coding transcript variant (1).
Genome position (GRCh38, 1-based): chr5:110,761,567, A>T. VCF-style: chr5-110761567-A-T. GRCh37 (hg19) VCF-style: chr5-110097267-A-T.
Other names: c.799A>T, p.Thr267Ser (NM_001303249.3); c.769A>T, p.Thr257Ser (NM_001303250.3); short protein forms T257S, T267S, T348S.
Identifiers: ClinVar variation 2129702 (VCV002129702.4), dbSNP rs2547533633, ClinGen allele CA360696909.

ClinVar aggregate classification (germline): Uncertain significance (1 of 4 stars; one submission).

Conditions:
Neuropathy, hereditary motor and sensory, type 6B (HMSN6B). Also called: Neuropathy, hereditary motor and sensory, type VIB; HMSN VIB; CHARCOT-MARIE-TOOTH DISEASE, TYPE 6B; NEUROPATHY, HEREDITARY MOTOR AND SENSORY, TYPE VIB, WITH OPTIC ATROPHY. Identifiers: MedGen C4225302, MONDO:0014671, OMIM 616505.

Submission:

Labcorp Genetics (formerly Invitae), Labcorp
Classification: Uncertain significance for Neuropathy, hereditary motor and sensory, type 6B. Last evaluated: 2022-05-09. Review status: criteria provided, single submitter. Criteria: Invitae Variant Classification Sherloc (09022015). Collection method: clinical testing. Allele origin: germline.
Comment: In summary, the available evidence is currently insufficient to determine the role of this variant in disease. Therefore, it has been classified as a Variant of Uncertain Significance. Algorithms developed to predict the effect of missense changes on protein structure and function (SIFT, PolyPhen-2, Align-GVGD) all suggest that this variant is likely to be disruptive. This variant has not been reported in the literature in individuals affected with SLC25A46-related conditions. This variant is not present in population databases (gnomAD no frequency). This sequence change replaces threonine, which is neutral and polar, with serine, which is neutral and polar, at codon 348 of the SLC25A46 protein (p.Thr348Ser).